The following is an entry in ClinVar:

ClinVar aggregate classification (germline): Pathogenic (1 of 4 stars; one submission).

Conditions:
Charlevoix-Saguenay spastic ataxia (SACS). Also called: SPASTIC ATAXIA 6, AUTOSOMAL RECESSIVE; AUTOSOMAL RECESSIVE SPASTIC ATAXIA OF CHARLEVOIX-SAGUENAY; Spastic ataxia of Charlevoix-Saguenay. Identifiers: Orphanet 98, MedGen C1849140, MONDO:0010041, OMIM 270550.

Submission:

Myriad Genetics, Inc.
Classification: Pathogenic for Charlevoix-Saguenay spastic ataxia. Last evaluated: 2025-06-10. Review status: criteria provided, single submitter. Criteria: Myriad Autosomal Dominant, Autosomal Recessive and X-Linked Classification Criteria (2023). Collection method: clinical testing. Allele origin: unknown.
Comment: NM_014363.4(SACS):c.4429delA(I1477Ffs*20) is a frameshift variant classified as pathogenic in the context of autosomal recessive spastic ataxia of Charlevoix-Saguenay. I1477Ffs*20 has not been observed in cases with relevant disease. Relevant functional assessments of this variant are not available in the literature. I1477Ffs*20 has not been observed in referenced population frequency databases. In summary, NM_014363.4(SACS):c.4429delA(I1477Ffs*20) is a frameshift variant in a gene where loss of function is a known mechanism of disease and is predicted to disrupt protein function. Please note: this variant was assessed in the context of healthy population screening.

NM_014363.6(SACS):c.4429del (p.Ile1477fs)

Gene: SACS (sacsin molecular chaperone; minus strand). Cytogenetic location: 13q12.12.
Variant type: Deletion.
Coding change: c.4429del on transcript NM_014363.6 (MANE Select); coding-DNA position 4429, one base deleted (A; older notation c.4429delA).
Protein change: p.Ile1477fs; shifts the reading frame from isoleucine 1477.
Molecular consequence: frameshift variant.
Genome position (GRCh38, 1-based): chr13:23,339,447, T deleted on the plus strand (A on the coding strand, the reverse complement: SACS is on the minus strand). VCF-style (leftmost placement, unchanged base first): chr13-23339446-AT-A. GRCh37 (hg19) VCF-style: chr13-23913585-AT-A.
Other names: c.3988del, p.Ile1330fs (NM_001278055.2); c.4456del, p.Ile1486fs (NM_001437336.1); short protein forms I1330fs, I1477fs, I1486fs.
Identifiers: ClinVar variation 4081783 (VCV004081783.1).
Genomic context (GRCh38, chr13:23,339,446, plus strand): 5'-ATCAAGAAACTGCATTCTGTTGCATTTGCATCATCAGCGTTTTGAAGTAGTTCTTTAAAA[AT>A]ATCTGACACTGAAGGGTATTCTTCCAGAATATTTTTAATTCTTACAGTAAGTGGCTCTCT-3'